The following is an entry in ClinVar:

ClinVar aggregate classification (germline): Uncertain significance (1 of 4 stars; one submission).

Submission:

Labcorp Genetics (formerly Invitae), Labcorp
Classification: Uncertain significance. Last evaluated: 2020-11-25. Review status: criteria provided, single submitter. Criteria: Invitae Variant Classification Sherloc (09022015). Collection method: clinical testing. Allele origin: germline.
Comment: In summary, the available evidence is currently insufficient to determine the role of this variant in disease. Therefore, it has been classified as a Variant of Uncertain Significance. Algorithms developed to predict the effect of missense changes on protein structure and function (SIFT, PolyPhen-2, Align-GVGD) all suggest that this variant is likely to be tolerated, but these predictions have not been confirmed by published functional studies and their clinical significance is uncertain. This variant has not been reported in the literature in individuals with MSH3-related conditions. This variant is not present in population databases (ExAC no frequency). This sequence change replaces aspartic acid with glutamic acid at codon 185 of the MSH3 protein (p.Asp185Glu). The aspartic acid residue is moderately conserved and there is a small physicochemical difference between aspartic acid and glutamic acid.

NM_002439.5(MSH3):c.555T>G (p.Asp185Glu)

Gene: MSH3 (mutS homolog 3; plus strand). Cytogenetic location: 5q14.1.
Variant type: single nucleotide variant.
Coding change: c.555T>G on transcript NM_002439.5 (MANE Select); coding-DNA position 555, T replaced by G.
Protein change: p.Asp185Glu; replaces aspartic acid 185 with glutamic acid.
Molecular consequence: missense variant.
Genome position (GRCh38, 1-based): chr5:80,665,339, T>G. VCF-style: chr5-80665339-T-G. GRCh37 (hg19) VCF-style: chr5-79961158-T-G.
Other names: short protein forms D185E.
Identifiers: ClinVar variation 1425865 (VCV001425865.8), dbSNP rs2112808961, ClinGen allele CA360264518.
Genomic context (GRCh38, chr5:80,665,339, plus strand): 5'-ATGTACTGATTTTGATGATATCAGTCTTCTACACGCAAAGAATGCAGTTTCTTCTGAAGA[T>G]TCGAAACGTCAAATTAATCAAAAGGTATGTAACTGCTATAGATGAGTATCCAGTTACCTA-3'
Protein context (NP_002430.3, residues 175-195): LHAKNAVSSE[Asp185Glu]SKRQINQKDT